The following is an entry in ClinVar:

NM_004370.6(COL12A1):c.2653G>C (p.Ala885Pro)

Gene: COL12A1 (collagen type XII alpha 1 chain; minus strand). Cytogenetic location: 6q13.
Variant type: single nucleotide variant.
Coding change: c.2653G>C on transcript NM_004370.6 (MANE Select); coding-DNA position 2653, G replaced by C.
Protein change: p.Ala885Pro; replaces alanine 885 with proline.
Molecular consequence: missense variant. On other transcripts: intron variant (3).
Genome position (GRCh38, 1-based): chr6:75,175,095, C>G on the plus strand (G>C on the coding strand, the complement: COL12A1 is on the minus strand). VCF-style: chr6-75175095-C-G. GRCh37 (hg19) VCF-style: chr6-75884811-C-G.
Other names: c.2653G>C, p.Ala885Pro (NM_001424113.1, NM_001424114.1); c.74-22613G>C (NM_001424116.1, NM_080645.3); c.2437+2568G>C (NM_001424115.1); short protein forms A885P.
Identifiers: ClinVar variation 4536501 (VCV004536501.1).

ClinVar aggregate classification (germline): Uncertain significance (1 of 4 stars; one submission).

gnomAD v4.1: 1 of 1,614,188 alleles (0.000062%); highest among the groups gnomAD compares: Non-Finnish European, 0.000085%; no homozygotes.

Submission:

GeneDx
Classification: Uncertain significance. Last evaluated: 2025-06-03. Review status: criteria provided, single submitter. Criteria: GeneDx Variant Classification Process June 2021. Collection method: clinical testing. Allele origin: germline. Affected: yes.
Comment: Not observed at significant frequency in large population cohorts (gnomAD); In silico analysis suggests that this missense variant does not alter protein structure/function; Has not been previously published as pathogenic or benign to our knowledge